The following is an entry in ClinVar:

ClinVar aggregate classification (germline): Uncertain significance. Review status: criteria provided, multiple submitters, no conflicts (2 of 4 stars). 3 submissions from 3 submitters: Uncertain significance (3). Last evaluated 2025-05-13.

Conditions:
Arrhythmogenic right ventricular dysplasia 12. Also called: ARRHYTHMOGENIC RIGHT VENTRICULAR DYSPLASIA, FAMILIAL, 12. Identifiers: MedGen C1969081, MONDO:0012684, OMIM 611528.
Naxos disease (NXD). Also called: WOOLLY HAIR, PALMOPLANTAR KERATODERMA, AND CARDIAC ABNORMALITIES; CARDIOMYOPATHY, ARRHYTHMOGENIC RIGHT VENTRICULAR, WITH SKIN, HAIR, AND NAIL ABNORMALITIES; KERATOSIS PALMOPLANTARIS WITH ARRHYTHMOGENIC CARDIOMYOPATHY; MAL DE NAXOS; PALMOPLANTAR KERATODERMA WITH ARRHYTHMOGENIC RIGHT VENTRICULAR CARDIOMYOPATHY AND WOOLLY HAIR. Identifiers: Orphanet 34217, MedGen C1832600, MONDO:0011017, OMIM 601214.

Allele frequency attached by ClinVar (database versions not stated): TOPMed 0.00001; gnomAD exomes 0.00002; gnomAD 0.00001 and 0.00002; ExAC 0.00004.
gnomAD v4.1: 24 of 1,611,954 alleles (0.0015%); highest among the groups gnomAD compares: South Asian, 0.0077%; no homozygotes.

Submissions (3):

Labcorp Genetics (formerly Invitae), Labcorp
Classification: Uncertain significance for Arrhythmogenic right ventricular dysplasia 12; Naxos disease. Last evaluated: 2025-05-13. Review status: criteria provided, single submitter. Criteria: Invitae Variant Classification Sherloc (09022015). Collection method: clinical testing. Allele origin: germline.
Comment: This sequence change replaces arginine, which is basic and polar, with cysteine, which is neutral and slightly polar, at codon 602 of the JUP protein (p.Arg602Cys). This variant is present in population databases (rs199511559, gnomAD 0.007%). This variant has not been reported in the literature in individuals affected with JUP-related conditions. ClinVar contains an entry for this variant (Variation ID: 656122). An algorithm developed to predict the effect of missense changes on protein structure and function (PolyPhen-2) suggests that this variant is likely to be disruptive. In summary, the available evidence is currently insufficient to determine the role of this variant in disease. Therefore, it has been classified as a Variant of Uncertain Significance.

GeneDx
Classification: Uncertain significance. Last evaluated: 2024-08-05. Review status: criteria provided, single submitter. Criteria: GeneDx Variant Classification Process June 2021. Collection method: clinical testing. Allele origin: germline. Affected: yes.
Comment: In silico analysis supports that this missense variant has a deleterious effect on protein structure/function; Has not been previously published as pathogenic or benign to our knowledge

Women's Health and Genetics/Laboratory Corporation of America, LabCorp
Classification: Uncertain significance. Last evaluated: 2021-06-01. Review status: criteria provided, single submitter. Criteria: LabCorp Variant Classification Summary - May 2015. Collection method: clinical testing. Allele origin: germline.
Comment: Variant summary: JUP c.1804C>T (p.Arg602Cys) results in a non-conservative amino acid change in the encoded protein sequence. Three of five in-silico tools predict a damaging effect of the variant on protein function. The variant allele was found at a frequency of 2.4e-05 in 246594 control chromosomes (gnomAD). The available data on variant occurrences in the general population are insufficient to allow any conclusion about variant significance. To our knowledge, no occurrence of c.1804C>T in individuals affected with Arrhythmogenic Right Ventricular Dysplasia/Cardiomyopathy and no experimental evidence demonstrating its impact on protein function have been reported. Two ClinVar submitters (evaluation after 2014) cite the variant as uncertain significance. Based on the evidence outlined above, the variant was classified as uncertain significance.

NM_002230.4(JUP):c.1804C>T (p.Arg602Cys)

Gene: JUP (junction plakoglobin; minus strand). Cytogenetic location: 17q21.2.
Variant type: single nucleotide variant.
Coding change: c.1804C>T on transcript NM_002230.4 (MANE Select); coding-DNA position 1804, C replaced by T.
Protein change: p.Arg602Cys; replaces arginine 602 with cysteine.
Molecular consequence: missense variant.
Genome position (GRCh38, 1-based): chr17:41,757,754, G>A on the plus strand (C>T on the coding strand, the complement: JUP is on the minus strand). VCF-style: chr17-41757754-G-A. GRCh37 (hg19) VCF-style: chr17-39914006-G-A.
Other names: c.1804C>T, p.Arg602Cys (NM_001352773.2, NM_001352774.2, NM_001352775.2 and 3 more transcripts); short protein forms R602C.
Identifiers: ClinVar variation 656122 (VCV000656122.21), dbSNP rs199511559, ClinGen allele CA8565107.
Genomic context (GRCh38, chr17:41,757,754, plus strand): 5'-CAATGGCGTCGGCCGCCTCCTTGTCCTGGGCCAGCTCACACAGCACCCCGGCAGCCACGC[G>A]CTGGATGTTCTCCACCGACGAGTACAGGAGCTGGGGAGAGGGGACGTGGGAAGCAGGGGA-3'
Protein context (NP_002221.1, residues 592-612): LLYSSVENIQ[Arg602Cys]VAAGVLCELA